The following is an entry in ClinVar:

ClinVar aggregate classification (germline): Uncertain significance (1 of 4 stars; one submission).

Conditions:
Neurofibromatosis, type 1 (NF1). Also called: Neurofibromatosis, type I; NEUROFIBROMATOSIS, TYPE I, SOMATIC; Peripheral type neurofibromatosis; VON RECKLINGHAUSEN DISEASE. Identifiers: Orphanet 636, MedGen C0027831, MONDO:0018975, OMIM 162200. Disease mechanism: loss of function.

Submission:

Labcorp Genetics (formerly Invitae), Labcorp
Classification: Uncertain significance for Neurofibromatosis, type 1. Last evaluated: 2023-08-31. Review status: criteria provided, single submitter. Criteria: Invitae Variant Classification Sherloc (09022015). Collection method: clinical testing. Allele origin: germline.
Comment: In summary, the available evidence is currently insufficient to determine the role of this variant in disease. Therefore, it has been classified as a Variant of Uncertain Significance. Advanced modeling of protein sequence and biophysical properties (such as structural, functional, and spatial information, amino acid conservation, physicochemical variation, residue mobility, and thermodynamic stability) has been performed at Invitae for this missense variant, however the output from this modeling did not meet the statistical confidence thresholds required to predict the impact of this variant on NF1 protein function. This variant has not been reported in the literature in individuals affected with NF1-related conditions. This variant is not present in population databases (gnomAD no frequency). This sequence change replaces lysine, which is basic and polar, with asparagine, which is neutral and polar, at codon 469 of the NF1 protein (p.Lys469Asn).

NM_001042492.3(NF1):c.1407A>C (p.Lys469Asn)

Gene: NF1 (neurofibromin 1; plus strand). Cytogenetic location: 17q11.2.
Variant type: single nucleotide variant.
Coding change: c.1407A>C on transcript NM_001042492.3 (MANE Select); coding-DNA position 1407, A replaced by C.
Protein change: p.Lys469Asn; replaces lysine 469 with asparagine.
Molecular consequence: missense variant.
Genome position (GRCh38, 1-based): chr17:31,214,465, A>C. VCF-style: chr17-31214465-A-C. GRCh37 (hg19) VCF-style: chr17-29541483-A-C.
Other names: c.1407A>C, p.Lys469Asn (NM_000267.4, NM_001128147.3); short protein forms K469N.
Identifiers: ClinVar variation 2912763 (VCV002912763.3), dbSNP rs2143958833, ClinGen allele CA399001438.